The following is an entry in ClinVar:

ClinVar aggregate classification (germline): Uncertain significance (1 of 4 stars; one submission).

Conditions:
Idiopathic Pulmonary Fibrosis. Also called: Idiopathic fibrosing alveolitis, chronic form; idiopathic fibrosing alveolitis. Identifiers: Orphanet 2032, MedGen C1800706, MeSH D054990, MONDO:0800504.
Dyskeratosis congenita, autosomal dominant 2. Identifiers: MedGen C3151443, MONDO:0013521, OMIM 613989.

Submission:

Labcorp Genetics (formerly Invitae), Labcorp
Classification: Uncertain significance for Dyskeratosis congenita, autosomal dominant 2; Idiopathic Pulmonary Fibrosis. Last evaluated: 2022-09-19. Review status: criteria provided, single submitter. Criteria: Invitae Variant Classification Sherloc (09022015). Collection method: clinical testing. Allele origin: germline.
Comment: This variant has not been reported in the literature in individuals affected with TERT-related conditions. This sequence change falls in intron 7 of the TERT gene. It does not directly change the encoded amino acid sequence of the TERT protein. It affects a nucleotide within the consensus splice site. This variant is not present in population databases (gnomAD no frequency). ClinVar contains an entry for this variant (Variation ID: 652686). Variants that disrupt the consensus splice site are a relatively common cause of aberrant splicing (PMID: 17576681, 9536098). Algorithms developed to predict the effect of sequence changes on RNA splicing suggest that this variant is not likely to affect RNA splicing. In summary, the available evidence is currently insufficient to determine the role of this variant in disease. Therefore, it has been classified as a Variant of Uncertain Significance.

Literature cited by the submitters: PubMed 17576681; PubMed 9536098.

NM_198253.3(TERT):c.2382+6G>T

Gene: TERT (telomerase reverse transcriptase; minus strand). Cytogenetic location: 5p15.33.
Variant type: single nucleotide variant.
Coding change: c.2382+6G>T on transcript NM_198253.3 (MANE Select); 6 bases into the intron after coding-DNA position 2382, G replaced by T.
Molecular consequence: intron variant.
Genome position (GRCh38, 1-based): chr5:1,272,179, C>A on the plus strand (G>T on the coding strand, the complement: TERT is on the minus strand). VCF-style: chr5-1272179-C-A. GRCh37 (hg19) VCF-style: chr5-1272294-C-A.
Other names: c.2382+6G>T (NM_001193376.3).
Identifiers: ClinVar variation 652686 (VCV000652686.9), dbSNP rs1400066265, ClinGen allele CA915943242.